The following is an entry in ClinVar:

ClinVar aggregate classification (germline): Likely benign. Review status: criteria provided, multiple submitters, no conflicts (2 of 4 stars). 4 submissions from 4 submitters: Likely benign (3). 1 of the submissions does not count toward it. Last evaluated 2026-01-26.

Conditions:
WDPCP-related disorder. Also called: WDPCP-related condition.
Bardet-Biedl syndrome (BBS). Identifiers: Orphanet 110, MedGen C0752166, MONDO:0015229.
Bardet-Biedl syndrome 15 (BBS15). Identifiers: Orphanet 110, MedGen C3150127, MONDO:0014443, OMIM 615992.
Heart defect - tongue hamartoma - polysyndactyly syndrome. Also called: Congenital heart defects, hamartomas of tongue, and polysyndactyly. Identifiers: Orphanet 1338, MedGen C1857587, MONDO:0009008, OMIM 217085.

Allele frequency attached by ClinVar (database versions not stated): gnomAD exomes 0.00006 and 0.00014; gnomAD 0.00007; ExAC 0.00008; ESP Exome Variant Server 0.00009.
gnomAD v4.1: 99 of 1,611,952 alleles (0.0061%); highest among the groups gnomAD compares: Admixed American, 0.057%; no homozygotes.

Submissions (4):

Labcorp Genetics (formerly Invitae), Labcorp
Classification: Likely benign for Bardet-Biedl syndrome. Last evaluated: 2026-01-26. Review status: criteria provided, single submitter. Criteria: Invitae Variant Classification Sherloc (09022015). Collection method: clinical testing. Allele origin: germline.

Blueprint Genetics
Classification: Likely benign. Last evaluated: 2024-06-19. Review status: criteria provided, single submitter. Criteria: ACMG Guidelines, 2015. Collection method: clinical testing. Allele origin: germline.

Fulgent Genetics
Classification: Likely benign for Heart defect - tongue hamartoma - polysyndactyly syndrome; Bardet-Biedl syndrome 15. Last evaluated: 2022-02-15. Review status: criteria provided, single submitter. Criteria: ACMG Guidelines, 2015. Collection method: clinical testing. Allele origin: unknown.

PreventionGenetics, part of Exact Sciences
Classification: Likely benign for WDPCP-related condition. Last evaluated: 2021-03-23. Review status: no assertion criteria provided. Collection method: clinical testing. Allele origin: germline. Not counted in ClinVar's aggregate classification.
Comment: This variant is classified as likely benign based on ACMG/AMP sequence variant interpretation guidelines (Richards et al. 2015 PMID: 25741868, with internal and published modifications).

NM_015910.7(WDPCP):c.2178C>T (p.Asp726=)

Gene: WDPCP (WD repeat containing planar cell polarity effector; minus strand). Cytogenetic location: 2p15.
Variant type: single nucleotide variant.
Coding change: c.2178C>T on transcript NM_015910.7 (MANE Select); coding-DNA position 2178, C replaced by T.
Protein change: p.Asp726=; no amino-acid change (aspartic acid 726 retained).
Molecular consequence: synonymous variant. On other transcripts: non-coding transcript variant (3).
Genome position (GRCh38, 1-based): chr2:63,152,926, G>A on the plus strand (C>T on the coding strand, the complement: WDPCP is on the minus strand). VCF-style: chr2-63152926-G-A. GRCh37 (hg19) VCF-style: chr2-63380061-G-A.
Other names: c.1701C>T, p.Asp567= (NM_001042692.3); c.2106C>T, p.Asp702= (NM_001354044.2); c.2178C>T (NM_015910.5).
Identifiers: ClinVar variation 1107209 (VCV001107209.13), dbSNP rs367690400, ClinGen allele CA1681966.
Genomic context (GRCh38, chr2:63,152,926, plus strand): 5'-TTCTCTTAGAATTTAAATGTCTAGTAATAAACAGAGAAAGTGTTTTACCTGTTCTCTGCC[G>A]TCTTCTCTCAGTTCTCCGTCTAAAGTAAAAGATTAAAACATTAATTATCTTAAAAGTCTA-3'
Protein context (NP_056994.3, residues 716-736): CNAEDGELRE[Asp726=]GREQEIRDGG